The following is an entry in ClinVar:

NM_000282.4(PCCA):c.1284+1G>A

Gene: PCCA (propionyl-CoA carboxylase subunit alpha; plus strand). Cytogenetic location: 13q32.3.
Variant type: single nucleotide variant.
Coding change: c.1284+1G>A on transcript NM_000282.4 (MANE Select); the canonical splice donor site of the intron after coding-DNA position 1284, G replaced by A.
Molecular consequence: splice donor variant.
Genome position (GRCh38, 1-based): chr13:100,302,999, G>A. VCF-style: chr13-100302999-G-A. GRCh37 (hg19) VCF-style: chr13-100955253-G-A.
Other names: c.1284+1G>A (NM_001178004.2, NM_001352605.2, NM_001352609.2); c.1140+1G>A (NM_001352606.2); c.339+1G>A (NM_001352610.2, NM_001352611.2); c.195+1G>A (NM_001352612.2); c.1206+1G>A (NM_001127692.3, NM_001352607.2); c.1062+1G>A (NM_001352608.2).
Identifiers: ClinVar variation 279863 (VCV000279863.33), dbSNP rs752761437, ClinGen allele CA7033564.

ClinVar aggregate classification (germline): Pathogenic/Likely pathogenic. Review status: criteria provided, multiple submitters, no conflicts (2 of 4 stars). 10 submissions from 10 submitters: Pathogenic (6); Likely pathogenic (2). 2 of the submissions do not count toward it. Last evaluated 2025-12-20.

Conditions:
Propionic acidemia (PROP). Also called: GLYCINEMIA, KETOTIC; HYPERGLYCINEMIA WITH KETOACIDOSIS AND LEUKOPENIA; KETOTIC HYPERGLYCINEMIA. Identifiers: Orphanet 35, MedGen C0268579, MONDO:0011628, OMIM 606054, HP:0003571.
PCCA-related disorder. Also called: PCCA-related condition.

Allele frequency attached by ClinVar (database versions not stated): gnomAD exomes 0.00004 and 0.00009; TOPMed 0.00005; gnomAD 0.00007; ExAC 0.00001.
gnomAD v4.1: 140 of 1,550,532 alleles (0.009%); highest among the groups gnomAD compares: Non-Finnish European, 0.011%; no homozygotes.

Submissions (12):

Labcorp Genetics (formerly Invitae), Labcorp
Classification: Pathogenic for Propionic acidemia. Last evaluated: 2025-12-20. Review status: criteria provided, single submitter. Criteria: Invitae Variant Classification Sherloc (09022015). Collection method: clinical testing. Allele origin: germline.
Comment: This sequence change affects a donor splice site in intron 14 of the PCCA gene. It is expected to disrupt RNA splicing. Variants that disrupt the donor or acceptor splice site typically lead to a loss of protein function (PMID: 16199547), and loss-of-function variants in PCCA are known to be pathogenic (PMID: 15464417). This variant is present in population databases (rs752761437, gnomAD 0.006%). Disruption of this splice site has been observed in individuals with propionic acidemia (PMID: 24464666, 27900673, 28712602). ClinVar contains an entry for this variant (Variation ID: 279863). Algorithms developed to predict the effect of sequence changes on RNA splicing suggest that this variant may disrupt the consensus splice site. For these reasons, this variant has been classified as Pathogenic.

Natera, Inc.
Classification: Pathogenic for Propionic acidemia. Last evaluated: 2025-12-09. Review status: criteria provided, single submitter. Criteria: Natera Variant Classification Schema (03/2026). Collection method: clinical testing. Allele origin: germline.
Comment: The c.1284+1G>A variant in PCCA is a canonical splice donor site variant predicted to affect pre-mRNA splicing, which may result in an abnormal transcript and altered protein product. This variant is expected to result in nonsense mediated decay, truncation, or a dysfunctional protein product. This variant is rare in the general population with a frequency below the threshold expected for the associated phenotype(s). This variant has been observed in one or more individuals affected with the associated recessive disease, as either homozygous or compound heterozygous with a second variant (PMID: 24464666, 38200289). Given the available evidence, this variant is classified as Pathogenic.

First Genomix Gene Laboratory, Genetic Diagnostics Department
Classification: Pathogenic for Propionic acidemia. Last evaluated: 2025-03-19. Review status: criteria provided, single submitter. Criteria: ACMG Guidelines, 2015. Collection method: clinical testing. Allele origin: germline. Inheritance: Autosomal recessive inheritance. Affected: no. Observed: 1 variant allele.

Fulgent Genetics
Classification: Pathogenic for Propionic acidemia. Last evaluated: 2024-04-30. Review status: criteria provided, single submitter. Criteria: ACMG Guidelines, 2015. Collection method: clinical testing. Allele origin: germline.

Blueprint Genetics
Classification: Likely pathogenic for PCCA-related disorders. Last evaluated: 2024-03-15. Review status: criteria provided, single submitter. Criteria: ACMG Guidelines, 2015. Collection method: clinical testing. Allele origin: germline. Affected: yes. Observed: 5 variant alleles.

GeneDx
Classification: Pathogenic. Last evaluated: 2024-03-15. Review status: criteria provided, single submitter. Criteria: GeneDx Variant Classification Process June 2021. Collection method: clinical testing. Allele origin: germline. Affected: yes.
Comment: Canonical splice site variant predicted to result in an in-frame loss of the adjacent exon in a gene for which loss of function is a known mechanism of disease; Not observed at significant frequency in large population cohorts (gnomAD); This variant is associated with the following publications: (PMID: 25525159, 27900673, 24464666, 28712602, 15464417, 11592820, Liang 2024[Case_Report], 29033250, 31249402)

Women's Health and Genetics/Laboratory Corporation of America, LabCorp
Classification: Pathogenic for Propionic acidemia. Last evaluated: 2020-12-07. Review status: criteria provided, single submitter. Criteria: LabCorp Variant Classification Summary - May 2015. Collection method: clinical testing. Allele origin: germline.
Comment: Variant summary: PCCA c.1284+1G>A is located in a canonical splice-site and is predicted to affect mRNA splicing resulting in a significantly altered protein due to either exon skipping, shortening, or inclusion of intronic material. Several computational tools predict a significant impact on normal splicing: Four predict the variant abolishes a canonical 5' splicing donor site. At least one publication confirmed this prediction by reporting RT-PCR analysis of patient derived mRNA that revealed skipping of exons 13 and 14 (V356_G428del73) (Campeau_2001). The variant allele was found at a frequency of 3.6e-05 in 251288 control chromosomes. c.1284+1G>A has been reported in the literature in individuals affected with Propionic Acidemia (example, Campeau_2001, Vatanavicharn_2014, Cappuccio_2016, Longo_2017). These data indicate that the variant is likely to be associated with disease. At least one publication reports experimental evidence evaluating an impact on protein function. The most pronounced variant effect results in <10% of normal propionyl-CoA carboxylase activity in a patient with a compound heterozygous genotype (Longo_2017). Four clinical diagnostic laboratories have submitted clinical-significance assessments for this variant to ClinVar after 2014 without evidence for independent evaluation. All laboratories classified the variant as pathogenic (n=3)/likely pathogenic(n=1). Based on the evidence outlined above, the variant was classified as pathogenic.

Illumina Laboratory Services, Illumina
Classification: Likely pathogenic for Propionic acidemia. Last evaluated: 2018-10-25. Review status: criteria provided, single submitter. Criteria: ICSL Variant Classification Criteria 09 May 2019. Collection method: clinical testing. Allele origin: germline.
Comment: The PCCA c.1284+1G>A variant occurs in a canonical splice site (donor) and is therefore predicted to disrupt or distort the normal gene product. The c.1284+1G>A variant has been reported in four studies in which it is found in four individuals with propionic academia, including in one in a homozygous state, in two in a compound heterozygous state, and in one in a heterozygous state (Campeau et al. 2001; Vatanavicharn et al. 2014; Cappuccio et al. 2016; Longo et al. 2017). Control data are unavailable for this variant, which is reported at a frequency of 0.00006 in the European (non-Finnish) population of the Genome Aggregation Database. RT-PCR analysis indicated that the c.1284+1G>A variant results in the skipping of exons 13 and 14 (Campeau et al. 2001). Based on the evidence and the potential impact of splice donor variants, the c.1284+1G>A variant is classified as likely pathogenic for propionic academia. This variant was observed by ICSL as part of a predisposition screen in an ostensibly healthy population.

PreventionGenetics, part of Exact Sciences
Classification: Pathogenic for PCCA-related condition. Last evaluated: 2024-08-21. Review status: no assertion criteria provided. Collection method: clinical testing. Allele origin: germline. Not counted in ClinVar's aggregate classification.
Comment: The PCCA c.1284+1G>A variant is predicted to disrupt the GT donor site and interfere with normal splicing. This variant has been reported in the homozygous or presumed compound heterozygous state in several patients with propionic acidemia (Vatanavicharn et al. 2014. PubMed ID: 24464666; Cappuccio et al. 2017. PubMed ID: 27900673; Longo et al. 2017. PubMed ID: 28712602). Based on RT-PCR analysis, this variant was reported to lead to skipping of exons 13 and 14 (Campeau et al. 2001. PubMed ID: 11592820, reported as IVS14+1G>A), which affects the biotin carboxylase domain (Vatanavicharn et al. 2014. PubMed ID: 24464666). This variant is reported in 0.0070% of alleles in individuals of European (Non-Finnish) descent in gnomAD. Based on the collective evidence, we classify this variant as pathogenic.

Counsyl
Classification: Pathogenic for Propionic acidemia. Last evaluated: 2017-10-19. Review status: no assertion criteria provided. Collection method: clinical testing. Allele origin: unknown. Not counted in ClinVar's aggregate classification.

Dr. Peter K. Rogan Lab, Western University
No classification provided (evidence only). Condition: Malignant tumor of urinary bladder. Review status: no classification provided. Collection method: in vitro. Allele origin: not applicable. Functional consequence: skipped exon, retained intron. Not counted in ClinVar's aggregate classification.

Dr. Peter K. Rogan Lab, Western University
No classification provided (evidence only). Condition: Cervical cancer. Review status: no classification provided. Collection method: in vitro. Allele origin: not applicable. Functional consequence: skipped exon, retained intron. Not counted in ClinVar's aggregate classification.

Literature cited by the submitters: PubMed 16199547 (cited by Labcorp Genetics (formerly Invitae), Labcorp); PubMed 15464417 (cited by Labcorp Genetics (formerly Invitae), Labcorp and Women's Health and Genetics/Laboratory Corporation of America, LabCorp); PubMed 24464666 (cited by 5 submitters); PubMed 27900673 (cited by 4 submitters); PubMed 28712602 (cited by 4 submitters); PubMed 38200289 (cited by Natera, Inc.); PubMed 11592820 (cited by 3 submitters); PubMed 29033250 (cited by Women's Health and Genetics/Laboratory Corporation of America, LabCorp).